The following is an entry in ClinVar:

NM_024700.4(SNIP1):c.493C>T (p.Arg165Trp)

Genes: SNIP1 (Smad nuclear interacting protein 1; minus strand), LOC126805704 (BRD4-independent group 4 enhancer GRCh37_chr1:38005292-38006491; plus strand). Cytogenetic location: 1p34.3.
Variant type: single nucleotide variant.
Coding change: c.493C>T on transcript NM_024700.4 (MANE Select); coding-DNA position 493, C replaced by T.
Protein change: p.Arg165Trp; replaces arginine 165 with tryptophan.
Molecular consequence: missense variant.
Genome position (GRCh38, 1-based): chr1:37,540,590, G>A on the plus strand (C>T on the coding strand, the complement: SNIP1 is on the minus strand). VCF-style: chr1-37540590-G-A. GRCh37 (hg19) VCF-style: chr1-38006191-G-A.
Other names: short protein forms R165W.
Identifiers: ClinVar variation 3446717 (VCV003446717.3).

ClinVar aggregate classification (germline): Uncertain significance. Review status: criteria provided, multiple submitters, no conflicts (2 of 4 stars). 2 submissions from 2 submitters: Uncertain significance (2). Last evaluated 2025-02-12.

gnomAD v4.1: 78 of 1,613,838 alleles (0.0048%); highest among the groups gnomAD compares: South Asian, 0.0077%; no homozygotes.

Submissions (2):

Labcorp Genetics (formerly Invitae), Labcorp
Classification: Uncertain significance. Last evaluated: 2025-02-12. Review status: criteria provided, single submitter. Criteria: Invitae Variant Classification Sherloc (09022015). Collection method: clinical testing. Allele origin: germline.
Comment: This sequence change replaces arginine, which is basic and polar, with tryptophan, which is neutral and slightly polar, at codon 165 of the SNIP1 protein (p.Arg165Trp). This variant is present in population databases (rs764062388, gnomAD 0.006%). This variant has not been reported in the literature in individuals affected with SNIP1-related conditions. ClinVar contains an entry for this variant (Variation ID: 3446717). Invitae Evidence Modeling of protein sequence and biophysical properties (such as structural, functional, and spatial information, amino acid conservation, physicochemical variation, residue mobility, and thermodynamic stability) indicates that this missense variant is expected to disrupt SNIP1 protein function with a positive predictive value of 80%. In summary, the available evidence is currently insufficient to determine the role of this variant in disease. Therefore, it has been classified as a Variant of Uncertain Significance.

Ambry Genetics
Classification: Uncertain significance. Last evaluated: 2024-07-17. Review status: criteria provided, single submitter. Criteria: Ambry Variant Classification Scheme 2023. Collection method: clinical testing. Allele origin: germline.